The following is an entry in ClinVar:

NM_000258.3(MYL3):c.30G>A (p.Lys10=)

Gene: MYL3 (myosin light chain 3; minus strand). Cytogenetic location: 3p21.31.
Variant type: single nucleotide variant.
Coding change: c.30G>A on transcript NM_000258.3 (MANE Select); coding-DNA position 30, G replaced by A.
Protein change: p.Lys10=; no amino-acid change (lysine 10 retained).
Molecular consequence: synonymous variant.
Genome position (GRCh38, 1-based): chr3:46,863,361, C>T on the plus strand (G>A on the coding strand, the complement: MYL3 is on the minus strand). VCF-style: chr3-46863361-C-T. GRCh37 (hg19) VCF-style: chr3-46904851-C-T.
Identifiers: ClinVar variation 926065 (VCV000926065.3), dbSNP rs779002620, ClinGen allele CA433474787.

ClinVar aggregate classification (germline): Likely benign. Review status: criteria provided, multiple submitters, no conflicts (2 of 4 stars). 2 submissions from 2 submitters: Likely benign (2). Last evaluated 2024-05-30.

Conditions:
Cardiomyopathy (CMYO). Also called: Cardiomyopathies. Identifiers: Orphanet 167848, MedGen C0878544, MONDO:0004994, HP:0001638. Inheritance: Various modes of inheritance.
Hypertrophic cardiomyopathy. Also called: HYPERTROPHIC MYOCARDIOPATHY. Identifiers: Orphanet 217569, MedGen C0007194, MeSH D002312, MONDO:0005045, HP:0001639.

Allele frequency attached by ClinVar (database versions not stated): gnomAD exomes below 0.00001; TOPMed below 0.00001; gnomAD 0.00001.
gnomAD v4.1: 5 of 1,613,662 alleles (0.00031%); highest among the groups gnomAD compares: Middle Eastern, 0.016%; no homozygotes.

Submissions (2):

All of Us Research Program, National Institutes of Health
Classification: Likely benign for Hypertrophic cardiomyopathy. Last evaluated: 2024-05-30. Review status: criteria provided, single submitter. Criteria: ACMG Guidelines, 2015. Collection method: clinical testing. Allele origin: germline. Inheritance: Autosomal dominant inheritance. Observed: 1 variant allele, 1 heterozygote.
Comment: This study involves interpretation of variants in research participants for the purpose of population health screening. Participant phenotype was not available at the time of variant classification. Additional details can be found in publication PMID: 35346344, PMCID: PMC8962531

Color Diagnostics, LLC DBA Color Health
Classification: Likely benign for Cardiomyopathy. Last evaluated: 2019-11-13. Review status: criteria provided, single submitter. Criteria: ACMG Guidelines, 2015. Collection method: clinical testing. Allele origin: germline.